The following is an entry in ClinVar:

ClinVar aggregate classification (germline): Uncertain significance. Review status: criteria provided, multiple submitters, no conflicts (2 of 4 stars). 2 submissions from 2 submitters: Uncertain significance (2). Last evaluated 2025-03-10.

Allele frequency attached by ClinVar (database versions not stated): ExAC 0.00001; gnomAD exomes 0.00002; gnomAD 0.00003; TOPMed 0.00004; ESP Exome Variant Server 0.00008.
gnomAD v4.1: 40 of 1,613,972 alleles (0.0025%); highest among the groups gnomAD compares: Non-Finnish European, 0.0032%; no homozygotes.

Submissions (2):

Ambry Genetics
Classification: Uncertain significance. Last evaluated: 2025-03-10. Review status: criteria provided, single submitter. Criteria: Ambry Variant Classification Scheme 2023. Collection method: clinical testing. Allele origin: germline.

Labcorp Genetics (formerly Invitae), Labcorp
Classification: Uncertain significance. Last evaluated: 2023-08-23. Review status: criteria provided, single submitter. Criteria: Invitae Variant Classification Sherloc (09022015). Collection method: clinical testing. Allele origin: germline.
Comment: This sequence change replaces isoleucine, which is neutral and non-polar, with threonine, which is neutral and polar, at codon 391 of the PCK2 protein (p.Ile391Thr). In summary, the available evidence is currently insufficient to determine the role of this variant in disease. Therefore, it has been classified as a Variant of Uncertain Significance. Advanced modeling of protein sequence and biophysical properties (such as structural, functional, and spatial information, amino acid conservation, physicochemical variation, residue mobility, and thermodynamic stability) performed at Invitae indicates that this missense variant is not expected to disrupt PCK2 protein function. This variant has not been reported in the literature in individuals affected with PCK2-related conditions. This variant is present in population databases (rs371229015, gnomAD 0.002%).

NM_004563.4(PCK2):c.1172T>C (p.Ile391Thr)

Genes: NRL (neural retina leucine zipper; minus strand), PCK2 (phosphoenolpyruvate carboxykinase 2, mitochondrial; plus strand). Cytogenetic location: 14q12.
Variant type: single nucleotide variant.
Coding change: c.1172T>C on transcript NM_004563.4 (MANE Select); coding-DNA position 1172, T replaced by C.
Protein change: p.Ile391Thr; replaces isoleucine 391 with threonine.
Molecular consequence: missense variant. On other transcripts: intron variant (3).
Genome position (GRCh38, 1-based): chr14:24,100,151, T>C. VCF-style: chr14-24100151-T-C. GRCh37 (hg19) VCF-style: chr14-24569360-T-C.
Other names: c.1172T>C (NM_004563.2); c.1172T>C, p.Ile391Thr (NM_001018073.3); c.770T>C, p.Ile257Thr (NM_001291556.2, NM_001308054.2); c.-28+14571A>G (NM_001354768.3, NM_001354770.2); c.-254+14571A>G (NM_006177.5); short protein forms I391T, I257T.
Identifiers: ClinVar variation 2901881 (VCV002901881.4), dbSNP rs371229015, ClinGen allele CA7123381.